The following is an entry in ClinVar:

NM_001035.3(RYR2):c.10189C>T (p.Arg3397Cys)

Gene: RYR2 (ryanodine receptor 2; plus strand). Cytogenetic location: 1q43.
Variant type: single nucleotide variant.
Coding change: c.10189C>T on transcript NM_001035.3 (MANE Select); coding-DNA position 10189, C replaced by T.
Protein change: p.Arg3397Cys; replaces arginine 3397 with cysteine.
Molecular consequence: missense variant.
Genome position (GRCh38, 1-based): chr1:237,709,526, C>T. VCF-style: chr1-237709526-C-T. GRCh37 (hg19) VCF-style: chr1-237872826-C-T.
Other names: p.Arg3397Cys; short protein forms R3397C.
Identifiers: ClinVar variation 1320386 (VCV001320386.26), dbSNP rs764084155, ClinGen allele CA084205.

ClinVar aggregate classification (germline): Conflicting classifications of pathogenicity. Review status: criteria provided, conflicting classifications (1 of 4 stars). 7 submissions from 7 submitters: Uncertain significance (6); Likely benign (1). Last evaluated 2026-04-20.

Conditions:
Catecholaminergic polymorphic ventricular tachycardia (CVPT). Also called: Catecholamine-induced polymorphic ventricular tachycardia. Identifiers: Orphanet 3286, MedGen C5574922, MONDO:0017990.
Cardiomyopathy (CMYO). Also called: Cardiomyopathies. Identifiers: Orphanet 167848, MedGen C0878544, MONDO:0004994, HP:0001638. Inheritance: Various modes of inheritance.
Cardiovascular phenotype. Identifiers: MedGen CN230736.
Catecholaminergic polymorphic ventricular tachycardia 1. Also called: VENTRICULAR TACHYCARDIA, CATECHOLAMINERGIC POLYMORPHIC, 1, WITH OR WITHOUT ATRIAL DYSFUNCTION AND/OR DILATED CARDIOMYOPATHY; VENTRICULAR TACHYCARDIA, STRESS-INDUCED POLYMORPHIC 1; RYR2-Related Catecholaminergic Polymorphic Ventricular Tachycardia. Identifiers: Orphanet 3286, MedGen C1631597, MONDO:0011484, OMIM 604772.

Allele frequency attached by ClinVar (database versions not stated): gnomAD 0.00001; gnomAD exomes 0.00001 and 0.00002; ExAC 0.00003.
gnomAD v4.1: 16 of 1,611,738 alleles (0.00099%); highest among the groups gnomAD compares: South Asian, 0.0044%; no homozygotes.

Submissions (7):

Ambry Genetics
Classification: Uncertain significance for Cardiovascular phenotype. Last evaluated: 2026-04-20. Review status: criteria provided, single submitter. Criteria: Ambry Variant Classification Scheme 2023. Collection method: clinical testing. Allele origin: germline.
Comment: The c.10189C>T (p.R3397C) alteration is located in exon 70 (coding exon 70) of the RYR2 gene. This alteration results from a C to T substitution at nucleotide position 10189, causing the arginine (R) at amino acid position 3397 to be replaced by a cysteine (C). Based on data from gnomAD, the T allele has an overall frequency of 0.002% (6/246902) total alleles studied. The highest observed frequency was 0.007% (2/30050) of South Asian alleles. Based on insufficient or conflicting evidence, the clinical significance of this alteration remains unclear.

CeGaT Center for Human Genetics Tuebingen
Classification: Uncertain significance. Last evaluated: 2025-10-01. Review status: criteria provided, single submitter. Criteria: CeGaT Center For Human Genetics Tuebingen Variant Classification Criteria Version 2. Collection method: clinical testing. Allele origin: germline. Affected: yes. Observed: 1 variant allele.

Color Diagnostics, LLC DBA Color Health
Classification: Uncertain significance for Cardiomyopathy. Last evaluated: 2025-05-20. Review status: criteria provided, single submitter. Criteria: ACMG Guidelines, 2015. Collection method: clinical testing. Allele origin: germline.
Comment: This missense variant replaces arginine with cysteine at codon 3397 of the RYR2 protein. Computational prediction is inconclusive regarding the impact of this variant on protein structure and function. To our knowledge, functional studies have not been reported for this variant. This variant has not been reported in individuals affected with RYR2-related disorders in the literature. This variant has been identified in 6/246902 chromosomes in the general population by the Genome Aggregation Database (gnomAD). The available evidence is insufficient to determine the role of this variant in disease conclusively. Therefore, this variant is classified as a Variant of Uncertain Significance.

Labcorp Genetics (formerly Invitae), Labcorp
Classification: Likely benign for Catecholaminergic polymorphic ventricular tachycardia 1. Last evaluated: 2025-03-12. Review status: criteria provided, single submitter. Criteria: Invitae Variant Classification Sherloc (09022015). Collection method: clinical testing. Allele origin: germline.

All of Us Research Program, National Institutes of Health
Classification: Uncertain significance for Catecholaminergic polymorphic ventricular tachycardia. Last evaluated: 2024-03-05. Review status: criteria provided, single submitter. Criteria: ACMG Guidelines, 2015. Collection method: clinical testing. Allele origin: germline. Inheritance: Autosomal dominant inheritance. Observed: 2 variant alleles, 2 heterozygotes.
Comment: This missense variant replaces arginine with cysteine at codon 3397 of the RYR2 protein. Computational prediction is inconclusive regarding the impact of this variant on protein structure and function (internally defined REVEL score threshold 0.5 < inconclusive < 0.7, PMID: 27666373). To our knowledge, functional studies have not been reported for this variant. This variant has not been reported in individuals affected with cardiovascular disorders in the literature. This variant has been identified in 6/246902 chromosomes in the general population by the Genome Aggregation Database (gnomAD). The available evidence is insufficient to determine the role of this variant in disease conclusively. Therefore, this variant is classified as a Variant of Uncertain Significance.

This study involves interpretation of variants in research participants for the purpose of population health screening. Participant phenotype was not available at the time of variant classification. Additional details can be found in publication PMID: 35346344, PMCID: PMC8962531

Mayo Clinic Laboratories, Mayo Clinic
Classification: Uncertain significance. Last evaluated: 2021-04-30. Review status: criteria provided, single submitter. Criteria: ACMG Guidelines, 2015. Collection method: clinical testing. Allele origin: germline.

GeneDx
Classification: Uncertain significance. Last evaluated: 2019-05-16. Review status: criteria provided, single submitter. Criteria: GeneDx Variant Classification Process June 2021. Collection method: clinical testing. Allele origin: germline. Affected: yes.
Comment: In silico analysis, which includes protein predictors and evolutionary conservation, supports a deleterious effect; Has not been previously published as pathogenic or benign to our knowledge